The following is an entry in ClinVar:

ClinVar aggregate classification (germline): Pathogenic/Likely pathogenic. Review status: criteria provided, multiple submitters, no conflicts (2 of 4 stars). 17 submissions from 17 submitters: Pathogenic (13); Likely pathogenic (1). 3 of the submissions do not count toward it. Last evaluated 2026-01-06.

Conditions:
Wilson disease (WND). Also called: Wilson's disease. Identifiers: Orphanet 905, MedGen C0019202, MONDO:0010200, OMIM 277900. Disease mechanism: loss of function.

Submissions 1 to 13 of 17:

Labcorp Genetics (formerly Invitae), Labcorp
Classification: Pathogenic for Wilson disease. Last evaluated: 2026-01-06. Review status: criteria provided, single submitter. Criteria: Invitae Variant Classification Sherloc (09022015). Collection method: clinical testing. Allele origin: germline.
Comment: This sequence change creates a premature translational stop signal (p.Tyr670*) in the ATP7B gene. It is expected to result in an absent or disrupted protein product. Loss-of-function variants in ATP7B are known to be pathogenic (PMID: 10441329, 16283883). This variant is present in population databases (rs779904655, gnomAD 0.004%). This premature translational stop signal has been observed in individual(s) with Wilson disease (PMID: 7726170). It has also been observed to segregate with disease in related individuals. This variant is also known as 2010del7. ClinVar contains an entry for this variant (Variation ID: 188862). For these reasons, this variant has been classified as Pathogenic.

Variantyx, Inc.
Classification: Pathogenic for Wilson disease. Last evaluated: 2025-11-18. Review status: criteria provided, single submitter. Criteria: Variantyx Assertion Criteria 2022. Collection method: clinical testing. Allele origin: germline. Inheritance: Autosomal recessive inheritance.
Comment: This is a frameshift variant in the ATP7B gene (OMIM: 606882). Pathogenic variants in this gene have been associated with autosomal recessive Wilson disease. This variant introduces a premature termination codon in exon 7 out of 21. It is expected to result in loss of function, which is a known disease mechanism for ATP7B in this disorder (PMID: 10441329, 16283883) (PVS1). This variant has been identified in the homozygous or compound heterozygous state in several individual(s) reported in the published literature (PMID: 37937776, 7726170) (PM3). This variant has a maximum allele frequency of in non-founder control populations of 0.0037% (PM2). Based on the current evidence, this variant is classified as pathogenic for autosomal recessive Wilson disease.

Natera, Inc.
Classification: Pathogenic for Wilson disease. Last evaluated: 2025-07-20. Review status: criteria provided, single submitter. Criteria: Natera Variant Classification Schema (03/2026). Collection method: clinical testing. Allele origin: germline.
Comment: The c.2009_2015delATATGCT variant in ATP7B is a frameshift variant predicted to shift the reading frame and introduce a stop codon. This variant is expected to result in nonsense mediated decay, truncation, or a dysfunctional protein product. This variant is rare in the general population with a frequency below the threshold expected for the associated phenotype(s). This variant has been observed in one or more individuals affected with the associated recessive disease, as either homozygous or compound heterozygous with a second variant (PMID: 7726170). Given the available evidence, this variant is classified as Pathogenic.

All of Us Research Program, National Institutes of Health
Classification: Pathogenic for Wilson disease. Last evaluated: 2024-09-27. Review status: criteria provided, single submitter. Criteria: ACMG Guidelines, 2015. Collection method: clinical testing. Allele origin: germline. Inheritance: Autosomal recessive inheritance. Observed: 14 variant alleles, 14 heterozygotes.
Comment: This variant deletes 7 nucleotides in exon 7 of the ATP7B gene, creating a frameshift and premature translation stop signal. This variant is expected to result in an absent or non-functional protein product. This variant is also known as 1950-1956 deletion, 2010del7, or 2007del7 in the literature. This variant has been observed in the homozygous state in individuals affected with autosomal recessive Wilson disease (PMID: 8298639, 7726170, 10502777), indicating that this variant contributes to disease. This variant has been identified in 6/249204 chromosomes in the general population by the Genome Aggregation Database (gnomAD). Loss of ATP7B function is a known mechanism of disease. Based on the available evidence, this variant is classified as Pathogenic.

This study involves interpretation of variants in research participants for the purpose of population health screening. Participant phenotype was not available at the time of variant classification. Additional details can be found in publication PMID: 35346344, PMCID: PMC8962531

Lildballe Lab, Aarhus University Hospital
Classification: Likely pathogenic for Wilson disease. Last evaluated: 2024-08-29. Review status: criteria provided, single submitter. Criteria: ACMG Guidelines, 2015. Collection method: clinical testing. Allele origin: germline. Affected: yes.
Comment: PVS1, PM2

Revvity Omics, Revvity
Classification: Pathogenic for Wilson disease. Last evaluated: 2024-04-24. Review status: criteria provided, single submitter. Criteria: ACMG Guidelines, 2015. Collection method: clinical testing. Allele origin: germline.

Color Diagnostics, LLC DBA Color Health
Classification: Pathogenic for Wilson disease. Last evaluated: 2024-03-06. Review status: criteria provided, single submitter. Criteria: ACMG Guidelines, 2015. Collection method: clinical testing. Allele origin: germline.
Comment: This variant deletes 7 nucleotides in exon 7 of the ATP7B gene, creating a frameshift and premature translation stop signal. This variant is expected to result in an absent or non-functional protein product. This variant is also known as 1950-1956 deletion, 2010del7, or 2007del7 in the literature. This variant has been observed in the homozygous state in individuals affected with autosomal recessive Wilson disease (PMID: 7726170, 8298639, 10502777), indicating that this variant contributes to disease. This variant has been identified in 6/249204 chromosomes in the general population by the Genome Aggregation Database (gnomAD). Loss of ATP7B function is a known mechanism of disease. Based on the available evidence, this variant is classified as Pathogenic.

Mayo Clinic Laboratories, Mayo Clinic
Classification: Pathogenic. Last evaluated: 2024-02-05. Review status: criteria provided, single submitter. Criteria: ACMG Guidelines, 2015. Collection method: clinical testing. Allele origin: germline. Observed: 3 variant alleles.
Comment: PP4, PM2_moderate, PM3, PVS1

Baylor Genetics
Classification: Pathogenic for Wilson disease. Last evaluated: 2024-01-22. Review status: criteria provided, single submitter. Criteria: ACMG Guidelines, 2015. Collection method: clinical testing. Allele origin: unknown.

CeGaT Center for Human Genetics Tuebingen
Classification: Pathogenic. Last evaluated: 2023-07-01. Review status: criteria provided, single submitter. Criteria: CeGaT Center For Human Genetics Tuebingen Variant Classification Criteria Version 2. Collection method: clinical testing. Allele origin: germline. Affected: yes. Observed: 1 variant allele.
Comment: ATP7B: PVS1, PP1:Strong, PM2, PM3

ARUP Laboratories, Molecular Genetics and Genomics, ARUP Laboratories
Classification: Pathogenic for Wilson disease. Last evaluated: 2022-12-23. Review status: criteria provided, single submitter. Criteria: ARUP Molecular Germline Variant Investigation Process 2024. Collection method: clinical testing. Allele origin: germline.
Comment: The ATP7B c.2009_2015del; p.Tyr670Ter variant (rs779904655), also known as 1950-1956 deletion, has been described in individuals and families affected with Wilson disease (Bull 1993, Thomas 1995). The variant is reported in ClinVar (Variation ID: 188862), and is observed in the general population at an overall frequency of 0.0024% (6/249204 alleles) in the Genome Aggregation Database. This variant deletes seven nucleotides resulting in an immediate stop codon, so it is predicted to result in a truncated protein or mRNA subject to nonsense-mediated decay. Based on available information, this variant is considered to be pathogenic. REFERENCES Bull PC et al. The Wilson disease gene is a putative copper transporting P-type ATPase similar to the Menkes gene. Nat Genet. 1993 Dec;5(4):327-37. PMID: 8298639. Thomas GR et al. Wilson disease in Iceland: a clinical and genetic study. Am J Hum Genet. 1995 May;56(5):1140-6. PMID: 7726170.

GeneDx
Classification: Pathogenic. Last evaluated: 2022-08-09. Review status: criteria provided, single submitter. Criteria: GeneDx Variant Classification Process June 2021. Collection method: clinical testing. Allele origin: germline. Affected: yes.
Comment: Nonsense variant predicted to result in protein truncation or nonsense mediated decay in a gene for which loss-of-function is a known mechanism of disease; Not observed at significant frequency in large population cohorts (gnomAD); This variant is associated with the following publications: (PMID: 7726170, 8298639, 10502777)

Laboratory for Molecular Medicine, Mass General Brigham Personalized Medicine
Classification: Pathogenic for Wilson disease. Last evaluated: 2020-06-11. Review status: criteria provided, single submitter. Criteria: ACMG Guidelines, 2015. Collection method: clinical testing. Allele origin: germline.
Comment: The p.Tyr670X variant in ATP7B has been reported in at least 2 homozygous individuals with Wilson disease and segregated with disease in 4 affected individuals from 2 families (Bull 1993, Thomas 1995, Curtis 1999). It has also been identified in 0.005% (6/112946) of chromosomes in Europeans by gnomAD. This variant has also been reported in ClinVar (Variation ID 188862). This deletion leads to a premature termination codon at position 670 , which is predicted to lead to a truncated or absent protein. Loss of function of the ATP7B gene is an established disease mechanism in autosomal recessive Wilson Disease. In summary, this variant meets criteria to be classified as pathogenic for autosomal recessive Wilson disease. ACMG/AMP criteria applied: PVS1, PP1_Strong, PM2, PM3, PP4.

NM_000053.4(ATP7B):c.2009_2015del (p.Ile669_Tyr670insTer)

Gene: ATP7B (ATPase copper transporting beta; minus strand). Cytogenetic location: 13q14.3.
Variant type: Deletion.
Coding change: c.2009_2015del on transcript NM_000053.4 (MANE Select); coding-DNA positions 2009 to 2015, 7 bases deleted (ATATGCT; older notation c.2009_2015delATATGCT).
Protein change: p.Ile669_Tyr670insTer.
Molecular consequence: nonsense. On other transcripts: intron variant (2).
Genome position (GRCh38, 1-based): chr13:51,960,254-51,960,260, AGCATAT deleted on the plus strand (ATATGCT on the coding strand, the reverse complement: ATP7B is on the minus strand); deleting any 7 consecutive bases within chr13:51,960,254-51,960,262 gives the same sequence; the c. name uses the placement nearest the transcript's 3' end. VCF-style (leftmost placement, unchanged base first): chr13-51960253-CAGCATAT-C. GRCh37 (hg19) VCF-style: chr13-52534389-CAGCATAT-C.
Other names: p.Tyr670*; c.1676_1682del, p.Ile558_Tyr559insTer (NM_001243182.2); c.2009_2015del, p.Ile669_Tyr670insTer (NM_001330578.2); c.1870-2653_1870-2647del (NM_001005918.3); c.1870-1716_1870-1710del (NM_001330579.2); c.2009_2015delATATGCT (NM_000053.4, NM_000053.3).
Identifiers: ClinVar variation 188862 (VCV000188862.76), dbSNP rs779904655, ClinGen allele CA274055.
Genomic context (GRCh38, chr13:51,960,253, plus strand): 5'-CAGTCCTGGAATGATGTTGTGGTCCAGGACCATGGACTGGTGGGGCTCGTTGCTGGGTAT[CAGCATAT>C]AGATCATTAAGGCCATGACAGGGATGCCAAACACCAGGCTGCACAGGAAAGACTTCTTCC-3'